The following is an entry in ClinVar:

ClinVar aggregate classification (germline): Uncertain significance (1 of 4 stars; one submission).

Conditions:
Cardiovascular phenotype. Identifiers: MedGen CN230736.

gnomAD v4.1: 6 of 1,528,920 alleles (0.00039%); highest among the groups gnomAD compares: South Asian, 0.0073%; no homozygotes.

Submission:

Ambry Genetics
Classification: Uncertain significance for Cardiovascular phenotype. Last evaluated: 2024-08-10. Review status: criteria provided, single submitter. Criteria: Ambry Variant Classification Scheme 2023. Collection method: clinical testing. Allele origin: germline.
Comment: The c.-2A>C variant is located in the 5' untranslated region (5&rsquo; UTR) of the PTPN11 gene. This variant results from an A to C substitution 2 nucleotides upstream from the first translated codon. This nucleotide position is highly conserved in available vertebrate species. Based on the available evidence, the clinical significance of this variant remains unclear.

NM_002834.5(PTPN11):c.-2A>C

Gene: PTPN11 (protein tyrosine phosphatase non-receptor type 11; plus strand). Cytogenetic location: 12q24.13.
Variant type: single nucleotide variant.
Coding change: c.-2A>C on transcript NM_002834.5 (MANE Select); 2 bases upstream of the start codon, A replaced by C.
Molecular consequence: 5 prime UTR variant.
Genome position (GRCh38, 1-based): chr12:112,419,110, A>C. VCF-style: chr12-112419110-A-C. GRCh37 (hg19) VCF-style: chr12-112856914-A-C.
Other names: c.-2A>C (NM_001330437.2, NM_001374625.1, NM_080601.3).
Identifiers: ClinVar variation 3427714 (VCV003427714.1).